The following is an entry in ClinVar:

ClinVar aggregate classification (germline): Likely benign (1 of 4 stars; one submission).

gnomAD v4.1: 3,350 of 1,613,678 alleles (0.21%); highest among the groups gnomAD compares: Non-Finnish European, 0.26%; 8 homozygotes.

Submission:

CeGaT Center for Human Genetics Tuebingen
Classification: Likely benign. Last evaluated: 2026-04-01. Review status: criteria provided, single submitter. Criteria: CeGaT Center For Human Genetics Tuebingen Variant Classification Criteria Version 2. Collection method: clinical testing. Allele origin: germline. Affected: yes. Observed: 1 variant allele.
Comment: CAMSAP1: BP4, BP7

NM_015447.4(CAMSAP1):c.4270C>A (p.Arg1424=)

Gene: CAMSAP1 (calmodulin regulated spectrin associated protein 1; minus strand). Cytogenetic location: 9q34.3.
Variant type: single nucleotide variant.
Coding change: c.4270C>A on transcript NM_015447.4 (MANE Select); coding-DNA position 4270, C replaced by A.
Protein change: p.Arg1424=; no amino-acid change (arginine 1424 retained).
Molecular consequence: synonymous variant.
Genome position (GRCh38, 1-based): chr9:135,817,978, G>T on the plus strand (C>A on the coding strand, the complement: CAMSAP1 is on the minus strand). VCF-style: chr9-135817978-G-T. GRCh37 (hg19) VCF-style: chr9-138709824-G-T.
Other names: c.3436C>A, p.Arg1146= (NM_001411031.1); c.4303C>A, p.Arg1435= (NM_001437279.1); c.3838C>A, p.Arg1280= (NM_001437280.1); c.3673C>A, p.Arg1225= (NM_001437281.1).
Identifiers: ClinVar variation 4872150 (VCV004872150.2).